The following is an entry in ClinVar:

ClinVar aggregate classification (germline): Conflicting classifications of pathogenicity. Review status: criteria provided, conflicting classifications (1 of 4 stars). 5 submissions from 5 submitters: Uncertain significance (1); Benign (1); Likely benign (2). 1 of the submissions does not count toward it. Last evaluated 2026-01-26.

Conditions:
Cardiovascular phenotype. Identifiers: MedGen CN230736.
Duchenne muscular dystrophy (DMD). Also called: MUSCULAR DYSTROPHY, PSEUDOHYPERTROPHIC PROGRESSIVE, DUCHENNE TYPE; Duchenne Muscular Dystrophy (DMD). Identifiers: Orphanet 98896, MedGen C0013264, MONDO:0010679, OMIM 310200.
Dilated cardiomyopathy 3B (CMD3B). Also called: CMD3B: DMD-Related Dilated Cardiomyopathy; CARDIOMYOPATHY, DILATED, X-LINKED; DMD-Associated Dilated Cardiomyopathy. Identifiers: Orphanet 154, MedGen C3668940, MONDO:0010542, OMIM 302045.
Dystrophin deficiency.
Becker muscular dystrophy (BMD). Also called: MUSCULAR DYSTROPHY, PSEUDOHYPERTROPHIC PROGRESSIVE, BECKER TYPE; Becker Muscular Dystrophy (BMD). Identifiers: Orphanet 98895, MedGen C0917713, MONDO:0010311, OMIM 300376.
Cardiomyopathy (CMYO). Also called: Cardiomyopathies. Identifiers: Orphanet 167848, MedGen C0878544, MONDO:0004994, HP:0001638. Inheritance: Various modes of inheritance.

Allele frequency attached by ClinVar (database versions not stated): gnomAD 0.00005; gnomAD exomes 0.00005 and 0.00009; TOPMed 0.00008; ExAC 0.00010; 1000 Genomes Project 30x 0.00021; 1000 Genomes Project 0.00026.
gnomAD v4.1: 57 of 1,209,588 alleles (0.0047%); highest among the groups gnomAD compares: Admixed American, 0.024%; no homozygotes.

Submissions (5):

Labcorp Genetics (formerly Invitae), Labcorp
Classification: Benign for Duchenne muscular dystrophy. Last evaluated: 2026-01-26. Review status: criteria provided, single submitter. Criteria: Invitae Variant Classification Sherloc (09022015). Collection method: clinical testing. Allele origin: germline.

Women's Health and Genetics/Laboratory Corporation of America, LabCorp
Classification: Likely benign. Last evaluated: 2020-06-01. Review status: criteria provided, single submitter. Criteria: LabCorp Variant Classification Summary - May 2015. Collection method: clinical testing. Allele origin: germline.
Comment: Variant summary: DMD c.1688G>A (p.Arg563His) results in a non-conservative amino acid change in the encoded protein sequence. Four of five in-silico tools predict a benign effect of the variant on protein function. The variant allele was found at a frequency of 8.8e-05 in 182555 control chromosomes. The observed variant frequency is approximately 10 fold of the estimated maximal expected allele frequency for a pathogenic variant in DMD causing Dystrophinopathies phenotype (0.000008824), strongly suggesting that the variant is benign. c.1688G>A has been reported in the literature in an individual affected with Dilated cardiomyopathy (Mates_2018). This report, however does not provide unequivocal conclusions about association of the variant with Dystrophinopathies. To our knowledge, no experimental evidence demonstrating an impact on protein function has been reported. One ClinVar submitter (evaluation after 2014) cite the variant as benign. Based on the evidence outlined above, the variant was classified as likely benign.

Ambry Genetics
Classification: Likely benign for Cardiovascular phenotype. Last evaluated: 2018-09-05. Review status: criteria provided, single submitter. Criteria: Ambry Variant Classification Scheme 2023. Collection method: clinical testing. Allele origin: germline.

Illumina Laboratory Services, Illumina
Classification: Uncertain significance for Dilated cardiomyopathy 3B. Last evaluated: 2018-01-13. Review status: criteria provided, single submitter. Criteria: ICSL Variant Classification Criteria 13 December 2019. Collection method: clinical testing. Allele origin: germline.

Natera, Inc.
Classification: Likely benign for Becker muscular dystrophy; Cardiomyopathy; Duchenne muscular dystrophy; Dystrophin deficiency. Last evaluated: 2020-05-31. Review status: no assertion criteria provided. Collection method: clinical testing. Allele origin: germline. Not counted in ClinVar's aggregate classification.

Literature cited by the submitters: PubMed 29511324 (cited by Women's Health and Genetics/Laboratory Corporation of America, LabCorp and Ambry Genetics).

NM_004006.3(DMD):c.1688G>A (p.Arg563His)

Gene: DMD (dystrophin; minus strand). Cytogenetic location: Xp21.1.
Variant type: single nucleotide variant.
Coding change: c.1688G>A on transcript NM_004006.3 (MANE Select); coding-DNA position 1688, G replaced by A.
Protein change: p.Arg563His; replaces arginine 563 with histidine.
Molecular consequence: missense variant.
Genome position (GRCh38, 1-based): chrX:32,573,761, C>T on the plus strand (G>A on the coding strand, the complement: DMD is on the minus strand). VCF-style: chrX-32573761-C-T. GRCh37 (hg19) VCF-style: chrX-32591878-C-T.
Other names: c.1664G>A, p.Arg555His (NM_000109.4); c.1676G>A, p.Arg559His (NM_004009.3); c.1319G>A, p.Arg440His (NM_004010.3); short protein forms R440H, R563H, R555H, R559H.
Identifiers: ClinVar variation 700241 (VCV000700241.18), dbSNP rs191197223, ClinGen allele CA10379767.
Genomic context (GRCh38, chrX:32,573,761, plus strand): 5'-ATCCCCCCGTGTCTTTTACAGCTAGTTTCTCACACATGACACACCTGTTCTTCAGTAAGA[C>T]GTTGCCATTTGAGAAGGATGTCTTGTAAAAGAACCCAGCGGTCTTCTGTCCATCTACAGA-3'
Protein context (NP_003997.2, residues 553-573): LLQDILLKWQ[Arg563His]LTEEQCLFSA